The following is an entry in ClinVar:

NM_032043.3(BRIP1):c.2986C>G (p.Gln996Glu)

Gene: BRIP1 (BRCA1 interacting DNA helicase 1; minus strand). Cytogenetic location: 17q23.2.
Variant type: single nucleotide variant.
Coding change: c.2986C>G on transcript NM_032043.3 (MANE Select); coding-DNA position 2986, C replaced by G.
Protein change: p.Gln996Glu; replaces glutamine 996 with glutamic acid.
Molecular consequence: missense variant.
Genome position (GRCh38, 1-based): chr17:61,684,060, G>C on the plus strand (C>G on the coding strand, the complement: BRIP1 is on the minus strand). VCF-style: chr17-61684060-G-C. GRCh37 (hg19) VCF-style: chr17-59761421-G-C.
Other names: short protein forms Q996E.
Identifiers: ClinVar variation 629287 (VCV000629287.10), dbSNP rs1567729513, ClinGen allele CA400480600.

ClinVar aggregate classification (germline): Uncertain significance. Review status: criteria provided, multiple submitters, no conflicts (2 of 4 stars). 3 submissions from 3 submitters: Uncertain significance (3). Last evaluated 2024-12-23.

Conditions:
Hereditary cancer-predisposing syndrome. Also called: Tumor predisposition; Neoplastic Syndromes, Hereditary; Hereditary Cancer Syndrome; Hereditary neoplastic syndrome. Identifiers: Orphanet 140162, MedGen C0027672, MeSH D009386, MONDO:0015356.
Familial cancer of breast. Also called: BREAST CANCER, FAMILIAL; Hereditary breast cancer; hereditary breast carcinoma. Identifiers: Orphanet 227535, MedGen C0346153, MONDO:0016419, OMIM 114480. Disease mechanism: loss of function.
Fanconi anemia complementation group J. Also called: BRIP1-Related Fanconi Anemia. Identifiers: Orphanet 84, MedGen C1836860, MONDO:0012187, OMIM 609054.

Submissions (3):

Labcorp Genetics (formerly Invitae), Labcorp
Classification: Uncertain significance for Familial cancer of breast; Fanconi anemia complementation group J. Last evaluated: 2024-12-23. Review status: criteria provided, single submitter. Criteria: Invitae Variant Classification Sherloc (09022015). Collection method: clinical testing. Allele origin: germline.
Comment: This sequence change replaces glutamine, which is neutral and polar, with glutamic acid, which is acidic and polar, at codon 996 of the BRIP1 protein (p.Gln996Glu). This variant is not present in population databases (gnomAD no frequency). This variant has not been reported in the literature in individuals affected with BRIP1-related conditions. ClinVar contains an entry for this variant (Variation ID: 629287). Invitae Evidence Modeling of protein sequence and biophysical properties (such as structural, functional, and spatial information, amino acid conservation, physicochemical variation, residue mobility, and thermodynamic stability) indicates that this missense variant is not expected to disrupt BRIP1 protein function with a negative predictive value of 95%. In summary, the available evidence is currently insufficient to determine the role of this variant in disease. Therefore, it has been classified as a Variant of Uncertain Significance.

Color Diagnostics, LLC DBA Color Health
Classification: Uncertain significance for Hereditary cancer-predisposing syndrome. Last evaluated: 2024-03-07. Review status: criteria provided, single submitter. Criteria: ACMG Guidelines, 2015. Collection method: clinical testing. Allele origin: germline.
Comment: This missense variant replaces glutamine with glutamic acid at codon 996 of the BRIP1 protein. Computational prediction suggests that this variant may not impact protein structure and function (internally defined REVEL score threshold <= 0.5, PMID: 27666373). Splice site prediction tools suggest that this variant may not impact RNA splicing. To our knowledge, functional studies have not been performed for this variant. This variant has not been reported in individuals affected with hereditary cancer in the literature. This variant has not been identified in the general population by the Genome Aggregation Database (gnomAD). The available evidence is insufficient to determine the role of this variant in disease conclusively. Therefore, this variant is classified as a Variant of Uncertain Significance.

Ambry Genetics
Classification: Uncertain significance for Hereditary cancer-predisposing syndrome. Last evaluated: 2023-02-03. Review status: criteria provided, single submitter. Criteria: Ambry Variant Classification Scheme 2023. Collection method: clinical testing. Allele origin: germline.
Comment: The p.Q996E variant (also known as c.2986C>G), located in coding exon 19 of the BRIP1 gene, results from a C to G substitution at nucleotide position 2986. The glutamine at codon 996 is replaced by glutamic acid, an amino acid with highly similar properties. This amino acid position is conserved. In addition, this alteration is predicted to be tolerated by in silico analysis. Since supporting evidence is limited at this time, the clinical significance of this alteration remains unclear.